The following is an entry in ClinVar:

NM_001382567.1(STIM1):c.1655C>T (p.Ser552Leu)

Gene: STIM1 (stromal interaction molecule 1; plus strand). Cytogenetic location: 11p15.4.
Variant type: single nucleotide variant.
Coding change: c.1655C>T on transcript NM_001382567.1 (MANE Select); coding-DNA position 1655, C replaced by T.
Protein change: p.Ser552Leu; replaces serine 552 with leucine.
Molecular consequence: missense variant. On other transcripts: synonymous variant (4), non-coding transcript variant (3).
Genome position (GRCh38, 1-based): chr11:4,091,302, C>T. VCF-style: chr11-4091302-C-T. GRCh37 (hg19) VCF-style: chr11-4112532-C-T.
Other names: c.1880C>T, p.Ser627Leu (NM_001277961.3); c.1599C>T, p.Phe533= (NM_001277962.2); c.1658C>T, p.Ser553Leu (NM_001382566.1); c.1583C>T, p.Ser528Leu (NM_001382568.1); c.1427C>T, p.Ser476Leu (NM_001382569.1); c.1334C>T, p.Ser445Leu (NM_001382570.1); c.1082C>T, p.Ser361Leu (NM_001382571.1); c.1340C>T, p.Ser447Leu (NM_001382575.1, NM_001382576.1, NM_001382577.1); and 4 more; short protein forms S521L, S627L, S358L, S361L, S445L, S447L, S476L, S528L.
Identifiers: ClinVar variation 578672 (VCV000578672.9), dbSNP rs745539009, ClinGen allele CA5830584.

ClinVar aggregate classification (germline): Uncertain significance. Review status: criteria provided, multiple submitters, no conflicts (2 of 4 stars). 2 submissions from 2 submitters: Uncertain significance (2). Last evaluated 2025-04-08.

Conditions:
Combined immunodeficiency due to STIM1 deficiency. Also called: STIM1 DEFICIENCY; IMMUNODEFICIENCY 10. Identifiers: Orphanet 169090, Orphanet 317430, MedGen C2748557, MONDO:0013008, OMIM 612783.
Myopathy with tubular aggregates (TAM). Also called: Tubular Aggregate Myopathy. Identifiers: Orphanet 2593, MedGen C0410207, MONDO:0008051.
Stormorken syndrome (STRMK). Also called: THROMBOCYTOPATHY, ASPLENIA, AND MIOSIS. Identifiers: Orphanet 3204, MedGen C1861451, MONDO:0008497, OMIM 185070.

Allele frequency attached by ClinVar (database versions not stated): TOPMed below 0.00001; gnomAD 0.00001; ExAC 0.00003.

Submissions (2):

Labcorp Genetics (formerly Invitae), Labcorp
Classification: Uncertain significance for Myopathy with tubular aggregates; Combined immunodeficiency due to STIM1 deficiency; Stormorken syndrome. Last evaluated: 2025-04-08. Review status: criteria provided, single submitter. Criteria: Invitae Variant Classification Sherloc (09022015). Collection method: clinical testing. Allele origin: germline.
Comment: This sequence change replaces serine, which is neutral and polar, with leucine, which is neutral and non-polar, at codon 521 of the STIM1 protein (p.Ser521Leu). This variant is present in population databases (rs745539009, gnomAD 0.003%). This variant has not been reported in the literature in individuals affected with STIM1-related conditions. ClinVar contains an entry for this variant (Variation ID: 578672). Invitae Evidence Modeling of protein sequence and biophysical properties (such as structural, functional, and spatial information, amino acid conservation, physicochemical variation, residue mobility, and thermodynamic stability) has been performed for this missense variant. However, the output from this modeling did not meet the statistical confidence thresholds required to predict the impact of this variant on STIM1 protein function. In summary, the available evidence is currently insufficient to determine the role of this variant in disease. Therefore, it has been classified as a Variant of Uncertain Significance.

Blueprint Genetics
Classification: Uncertain significance. Last evaluated: 2023-02-03. Review status: criteria provided, single submitter. Criteria: ACMG Guidelines, 2015. Collection method: clinical testing. Allele origin: germline.